The following is an entry in ClinVar:

NM_032119.4(ADGRV1):c.9043-3C>T

Gene: ADGRV1 (adhesion G protein-coupled receptor V1; plus strand). Cytogenetic location: 5q14.3.
Variant type: single nucleotide variant.
Coding change: c.9043-3C>T on transcript NM_032119.4 (MANE Select); 3 bases into the intron before coding-DNA position 9043, C replaced by T.
Molecular consequence: intron variant.
Genome position (GRCh38, 1-based): chr5:90,712,284, C>T. VCF-style: chr5-90712284-C-T. GRCh37 (hg19) VCF-style: chr5-90008101-C-T.
Identifiers: ClinVar variation 2068733 (VCV002068733.1), dbSNP rs1749466368, ClinGen allele CA1078668612.

ClinVar aggregate classification (germline): Uncertain significance (1 of 4 stars; one submission).

Allele frequency attached by ClinVar (database versions not stated): gnomAD exomes below 0.00001; gnomAD 0.00001.
gnomAD v4.1: 5 of 1,510,510 alleles (0.00033%); highest among the groups gnomAD compares: East Asian, 0.0024%; no homozygotes.

Submission:

Labcorp Genetics (formerly Invitae), Labcorp
Classification: Uncertain significance. Last evaluated: 2022-07-02. Review status: criteria provided, single submitter. Criteria: Invitae Variant Classification Sherloc (09022015). Collection method: clinical testing. Allele origin: germline.
Comment: This sequence change falls in intron 41 of the ADGRV1 gene. It does not directly change the encoded amino acid sequence of the ADGRV1 protein. It affects a nucleotide within the consensus splice site. This variant is not present in population databases (gnomAD no frequency). This variant has not been reported in the literature in individuals affected with ADGRV1-related conditions. Variants that disrupt the consensus splice site are a relatively common cause of aberrant splicing (PMID: 17576681, 9536098). Algorithms developed to predict the effect of sequence changes on RNA splicing suggest that this variant is not likely to affect RNA splicing. In summary, the available evidence is currently insufficient to determine the role of this variant in disease. Therefore, it has been classified as a Variant of Uncertain Significance.

Literature cited by the submitters: PubMed 17576681; PubMed 9536098.